The following is an entry in ClinVar:

NM_001378183.1(PIEZO2):c.7608dup (p.Ser2537fs)

Gene: PIEZO2 (piezo type mechanosensitive ion channel component 2; minus strand). Cytogenetic location: 18p11.22.
Variant type: Duplication.
Coding change: c.7608dup on transcript NM_001378183.1 (MANE Select); coding-DNA position 7608, one base duplicated (G; older notation c.7608dupG).
Protein change: p.Ser2537fs; shifts the reading frame from serine 2537.
Molecular consequence: frameshift variant.
Genome position (GRCh38, 1-based): chr18:10,682,182, C duplicated on the plus strand (G on the coding strand, the reverse complement: PIEZO2 is on the minus strand). VCF-style (leftmost placement, unchanged base first): chr18-10682181-A-AC. GRCh37 (hg19) VCF-style: chr18-10682178-A-AC.
Other names: c.7344dup, p.Ser2449fs (NM_001410871.1); c.7269dup, p.Ser2424fs (NM_022068.4); short protein forms S2424fs, S2449fs, S2537fs.
Identifiers: ClinVar variation 2627519 (VCV002627519.1), dbSNP rs2510238432, ClinGen allele CA2582342329.
Genomic context (GRCh38, chr18:10,682,181, plus strand): 5'-TAATTGTGACGGAGACGTCCAGGGGCTGGTTGATGACCCCAGCCACAGATTTGATCAAAG[A>AC]CATGAAGAGAAGAGGAAACCAGACAATGCAGATGAGCAGGACGATGATCATTCCTCCCAT-3'

ClinVar aggregate classification (germline): Likely pathogenic (1 of 4 stars; one submission).

Conditions:
Arthrogryposis, distal, with impaired proprioception and touch (DAIPT). Identifiers: MedGen C4310692, MONDO:0014941, OMIM 617146.

Submission:

Neuberg Centre For Genomic Medicine, NCGM
Classification: Likely pathogenic for Arthrogryposis, distal, with impaired proprioception and touch. Review status: criteria provided, single submitter. Criteria: ACMG Guidelines, 2015. Collection method: clinical testing. Allele origin: germline. Inheritance: Autosomal recessive inheritance. Affected: yes.
Comment: The frameshift duplication p.S2424Vfs*47 in PIEZO2 (NM_022068.4) has not been reported previously as a pathogenic variant nor as a benign variant, to our knowledge. The p.S2424Vfs*47 variant is novel (not in any individuals) in gnomAD Exomes and is novel (not in any individuals) in 1000 Genomes. This variant is predicted to cause loss of normal protein function through protein truncation. Loss of function mutations have been reported previously to be disease causing. For these reasons, this variant has been classified as Likely Pathogenic.